The following is an entry in ClinVar:

NM_005633.4(SOS1):c.3737A>G (p.Asn1246Ser)

Gene: SOS1 (SOS Ras/Rac guanine nucleotide exchange factor 1; minus strand). Cytogenetic location: 2p22.1.
Variant type: single nucleotide variant.
Coding change: c.3737A>G on transcript NM_005633.4 (MANE Select); coding-DNA position 3737, A replaced by G.
Protein change: p.Asn1246Ser; replaces asparagine 1246 with serine.
Molecular consequence: missense variant.
Genome position (GRCh38, 1-based): chr2:38,986,089, T>C on the plus strand (A>G on the coding strand, the complement: SOS1 is on the minus strand). VCF-style: chr2-38986089-T-C. GRCh37 (hg19) VCF-style: chr2-39213230-T-C.
Other names: c.3716A>G, p.Asn1239Ser (NM_001382394.1); c.3692A>G, p.Asn1231Ser (NM_001382395.1); short protein forms N1231S, N1239S, N1246S.
Identifiers: ClinVar variation 1208648 (VCV001208648.13), dbSNP rs374110460, ClinGen allele CA1624119.

ClinVar aggregate classification (germline): Conflicting classifications of pathogenicity. Review status: criteria provided, conflicting classifications (1 of 4 stars). 5 submissions from 4 submitters: Uncertain significance (4); Benign (1). Last evaluated 2026-08-21.

Conditions:
Cardiovascular phenotype. Identifiers: MedGen CN230736.
RASopathy. Also called: rasopathies; Noonan spectrum disorder. Identifiers: Orphanet 536391, MedGen C5555857, MONDO:0021060.
Fibromatosis, gingival, 1 (GINGF1). Identifiers: Orphanet 2024, MedGen C4551558, MONDO:0007609, OMIM 135300.
Noonan syndrome 4 (NS4). Also called: SOS1-Related Noonan Syndrome; NOONAN SYNDROME WITH PIGMENTED VILLONODULAR SYNOVITIS. Identifiers: Orphanet 648, MedGen C1853120, MONDO:0012547, OMIM 610733.

Allele frequency attached by ClinVar (database versions not stated): TOPMed 0.00003; gnomAD 0.00004 and 0.00003; gnomAD exomes 0.00001; ExAC 0.00002; ESP Exome Variant Server 0.00008.
gnomAD v4.1: 30 of 1,613,734 alleles (0.0019%); highest among the groups gnomAD compares: African/African-American, 0.008%; no homozygotes.

Submissions (5):

GeneDx
Classification: Uncertain significance. Last evaluated: 2026-08-21. Review status: criteria provided, single submitter. Criteria: GeneDx Variant Classification Process June 2021. Collection method: clinical testing. Allele origin: germline.
Comment: Missense variants in this gene are a common cause of disease and they are underrepresented in the general population; In silico analysis suggests that this missense variant does not alter protein structure/function; Has not been previously published as pathogenic or benign to our knowledge; This variant is associated with the following publications: (PMID: 29493581)

Labcorp Genetics (formerly Invitae), Labcorp
Classification: Benign for RASopathy. Last evaluated: 2025-08-28. Review status: criteria provided, single submitter. Criteria: Invitae Variant Classification Sherloc (09022015). Collection method: clinical testing. Allele origin: germline.

Ambry Genetics
Classification: Uncertain significance for Cardiovascular phenotype. Last evaluated: 2024-12-13. Review status: criteria provided, single submitter. Criteria: Ambry Variant Classification Scheme 2023. Collection method: clinical testing. Allele origin: germline.
Comment: The p.N1246S variant (also known as c.3737A>G), located in coding exon 23 of the SOS1 gene, results from an A to G substitution at nucleotide position 3737. The asparagine at codon 1246 is replaced by serine, an amino acid with highly similar properties. This amino acid position is well conserved in available vertebrate species. In addition, this alteration is predicted to be tolerated by in silico analysis. Since supporting evidence is limited at this time, the clinical significance of this alteration remains unclear.

Genome-Nilou Lab
Classification: Uncertain significance for Noonan syndrome 4. Review status: criteria provided, single submitter. Criteria: ACMG Guidelines, 2015. Collection method: clinical testing. Allele origin: germline.

Genome-Nilou Lab
Classification: Uncertain significance for Fibromatosis, gingival, 1. Review status: criteria provided, single submitter. Criteria: ACMG Guidelines, 2015. Collection method: clinical testing. Allele origin: germline.